The following is an entry in ClinVar:

NM_001004334.4(GPR179):c.4991G>A (p.Arg1664His)

Gene: GPR179 (G protein-coupled receptor 179; minus strand). Cytogenetic location: 17q12.
Variant type: single nucleotide variant.
Coding change: c.4991G>A on transcript NM_001004334.4 (MANE Select); coding-DNA position 4991, G replaced by A.
Protein change: p.Arg1664His; replaces arginine 1664 with histidine.
Molecular consequence: missense variant.
Genome position (GRCh38, 1-based): chr17:38,328,578, C>T on the plus strand (G>A on the coding strand, the complement: GPR179 is on the minus strand). VCF-style: chr17-38328578-C-T. GRCh37 (hg19) VCF-style: chr17-36484461-C-T.
Other names: c.4991G>A (NM_001004334.2); short protein forms R1664H.
Identifiers: ClinVar variation 1047848 (VCV001047848.7), dbSNP rs376803348, ClinGen allele CA290103811.

ClinVar aggregate classification (germline): Conflicting classifications of pathogenicity. Review status: criteria provided, conflicting classifications (1 of 4 stars). 3 submissions from 3 submitters: Uncertain significance (1); Likely benign (2). Last evaluated 2025-08-04.

Conditions:
Inborn genetic diseases. Identifiers: MedGen C0950123, MeSH D030342.

Allele frequency attached by ClinVar (database versions not stated): gnomAD exomes 0.00006 and 0.00011; ESP Exome Variant Server 0.00008; ExAC 0.00017; gnomAD 0.00032; TOPMed 0.00036; 1000 Genomes Project 30x 0.00047; 1000 Genomes Project 0.00060.
gnomAD v4.1: 135 of 1,614,094 alleles (0.0084%); highest among the groups gnomAD compares: African/African-American, 0.11%; no homozygotes.

Submissions (3):

Ambry Genetics
Classification: Likely benign for Inborn genetic diseases. Last evaluated: 2025-08-04. Review status: criteria provided, single submitter. Criteria: Ambry Variant Classification Scheme 2023. Collection method: clinical testing. Allele origin: germline.

Labcorp Genetics (formerly Invitae), Labcorp
Classification: Uncertain significance. Last evaluated: 2024-02-17. Review status: criteria provided, single submitter. Criteria: Invitae Variant Classification Sherloc (09022015). Collection method: clinical testing. Allele origin: germline.
Comment: This sequence change replaces arginine, which is basic and polar, with histidine, which is basic and polar, at codon 1664 of the GPR179 protein (p.Arg1664His). This variant is present in population databases (rs376803348, gnomAD 0.1%). This variant has not been reported in the literature in individuals affected with GPR179-related conditions. ClinVar contains an entry for this variant (Variation ID: 1047848). Algorithms developed to predict the effect of missense changes on protein structure and function output the following: SIFT: "Not Available"; PolyPhen-2: "Benign"; Align-GVGD: "Not Available". The histidine amino acid residue is found in multiple mammalian species, which suggests that this missense change does not adversely affect protein function. In summary, the available evidence is currently insufficient to determine the role of this variant in disease. Therefore, it has been classified as a Variant of Uncertain Significance.

Blueprint Genetics
Classification: Likely benign. Last evaluated: 2022-06-20. Review status: criteria provided, single submitter. Criteria: ACMG Guidelines, 2015. Collection method: clinical testing. Allele origin: germline.